The following is an entry in ClinVar:

NM_007294.4(BRCA1):c.213-1G>T

Gene: BRCA1 (BRCA1 DNA repair associated; minus strand). Cytogenetic location: 17q21.31.
Variant type: single nucleotide variant.
Coding change: c.213-1G>T on transcript NM_007294.4 (MANE Select); the canonical splice acceptor site of the intron before coding-DNA position 213, G replaced by T.
Molecular consequence: splice acceptor variant. On other transcripts: intron variant (2).
Genome position (GRCh38, 1-based): chr17:43,104,957, C>A on the plus strand (G>T on the coding strand, the complement: BRCA1 is on the minus strand). VCF-style: chr17-43104957-C-A. GRCh37 (hg19) VCF-style: chr17-41256974-C-A.
Other names: c.72-1G>T (NM_001407741.1, NM_001407926.1, NM_001407936.1 and 99 more transcripts); c.135-1G>T (NM_001408415.1, NM_001408413.1, NM_001407660.1 and 21 more transcripts); c.3-1G>T (NM_001408483.1, NM_001407899.1, NM_001408507.1 and 58 more transcripts); c.213-1G>T (NM_001407634.1, NM_001407622.1, NM_001407602.1 and 167 more transcripts); c.-169-1G>T (NM_001407965.1, NM_001407963.1, NM_001407959.1 and 4 more transcripts); c.-218-10097G>T (NM_001407966.1, NM_001407967.1); c.81-1G>T (NM_001408451.1).
Identifiers: ClinVar variation 267728 (VCV000267728.6), dbSNP rs80358146, ClinGen allele CA10601740.

ClinVar aggregate classification (germline): Pathogenic (1 of 4 stars; one submission).

Conditions:
Breast-ovarian cancer, familial, susceptibility to, 1 (BROVCA1). Also called: BRCA1 Hereditary Breast and Ovarian Cancer; OVARIAN CANCER, SUSCEPTIBILITY TO. Identifiers: Orphanet 145, MedGen C2676676, MONDO:0011450, OMIM 604370. Disease mechanism: loss of function.

Submissions (2):

Consortium of Investigators of Modifiers of BRCA1/2 (CIMBA), c/o University of Cambridge
Classification: Pathogenic for Breast-ovarian cancer, familial, susceptibility to, 1. Last evaluated: 2015-10-02. Review status: criteria provided, single submitter. Criteria: CIMBA Mutation Classification guidelines May 2016. Collection method: clinical testing. Allele origin: germline.

Brotman Baty Institute, University of Washington
No classification provided (evidence only). Condition: Breast-ovarian cancer, familial 1. Review status: no classification provided. Collection method: in vitro. Allele origin: not applicable. Functional consequence: functionally_abnormal. Not counted in ClinVar's aggregate classification.
ClinVar note: "not provided" was previously submitted as the classification for the variant. However, the classification appeared to be based only on an observation of functional data so it was converted to no classification on 2025-07-30.